The following is an entry in ClinVar:

ClinVar aggregate classification (germline): Conflicting classifications of pathogenicity. Review status: criteria provided, conflicting classifications (1 of 4 stars). 5 submissions from 5 submitters: Uncertain significance (2); Likely benign (2). 1 of the submissions does not count toward it. Last evaluated 2026-02-01.

Conditions:
ADAMTS2-related disorder. Also called: ADAMTS2-related condition.
Ehlers-Danlos syndrome, dermatosparaxis type. Also called: EDS VIIC; Ehlers-Danlos syndrome, type VII, autosomal recessive; Dermatosparaxis. Identifiers: Orphanet 1901, MedGen C2700425, MONDO:0009161, OMIM 225410.

Allele frequency attached by ClinVar (database versions not stated): gnomAD 0.00006; gnomAD exomes 0.00007 and 0.00036; TOPMed 0.00019; 1000 Genomes Project 0.00020; 1000 Genomes Project 30x 0.00031; ExAC 0.00032.
gnomAD v4.1: 103 of 1,606,884 alleles (0.0064%); highest among the groups gnomAD compares: Admixed American, 0.16%; no homozygotes.

Submissions (5):

Labcorp Genetics (formerly Invitae), Labcorp
Classification: Likely benign for Ehlers-Danlos syndrome, dermatosparaxis type. Last evaluated: 2026-02-01. Review status: criteria provided, single submitter. Criteria: Invitae Variant Classification Sherloc (09022015). Collection method: clinical testing. Allele origin: germline.

CeGaT Center for Human Genetics Tuebingen
Classification: Uncertain significance. Last evaluated: 2025-11-01. Review status: criteria provided, single submitter. Criteria: CeGaT Center For Human Genetics Tuebingen Variant Classification Criteria Version 2. Collection method: clinical testing. Allele origin: germline. Affected: yes. Observed: 2 variant alleles.
Comment: ADAMTS2: PM2, BP4

PreventionGenetics, part of Exact Sciences
Classification: Likely benign for ADAMTS2-related condition. Last evaluated: 2024-11-09. Review status: criteria provided, single submitter. Criteria: ACMG Guidelines, 2015. Collection method: clinical testing. Allele origin: germline.
Comment: This variant is classified as likely benign based on ACMG/AMP sequence variant interpretation guidelines (Richards et al. 2015 PMID: 25741868, with internal and published modifications).

GeneDx
Classification: Uncertain significance. Last evaluated: 2021-11-01. Review status: criteria provided, single submitter. Criteria: GeneDx Variant Classification Process June 2021. Collection method: clinical testing. Allele origin: germline. Affected: yes.
Comment: Has not been previously published as pathogenic or benign to our knowledge; In silico analysis supports that this missense variant does not alter protein structure/function

Natera, Inc.
Classification: Likely benign for Ehlers-Danlos syndrome type VIIC. Last evaluated: 2020-01-10. Review status: no assertion criteria provided. Collection method: clinical testing. Allele origin: germline. Not counted in ClinVar's aggregate classification.

NM_014244.5(ADAMTS2):c.1414G>A (p.Ala472Thr)

Gene: ADAMTS2 (ADAM metallopeptidase with thrombospondin type 1 motif 2; minus strand). Cytogenetic location: 5q35.3.
Variant type: single nucleotide variant.
Coding change: c.1414G>A on transcript NM_014244.5 (MANE Select); coding-DNA position 1414, G replaced by A.
Protein change: p.Ala472Thr; replaces alanine 472 with threonine.
Molecular consequence: missense variant.
Genome position (GRCh38, 1-based): chr5:179,153,592, C>T on the plus strand (G>A on the coding strand, the complement: ADAMTS2 is on the minus strand). VCF-style: chr5-179153592-C-T. GRCh37 (hg19) VCF-style: chr5-178580593-C-T.
Other names: c.1414G>A, p.Ala472Thr (NM_021599.4); short protein forms A472T.
Identifiers: ClinVar variation 767441 (VCV000767441.54), dbSNP rs546681307, ClinGen allele CA3595921.